The following is an entry in ClinVar:

NM_001134665.3(TRMT10A):c.483G>A (p.Trp161Ter)

Gene: TRMT10A (tRNA methyltransferase 10A; minus strand). Cytogenetic location: 4q23.
Variant type: single nucleotide variant.
Coding change: c.483G>A on transcript NM_001134665.3 (MANE Select); coding-DNA position 483, G replaced by A.
Protein change: p.Trp161Ter; replaces tryptophan 161 with a stop codon.
Molecular consequence: nonsense.
Genome position (GRCh38, 1-based): chr4:99,556,158, C>T on the plus strand (G>A on the coding strand, the complement: TRMT10A is on the minus strand). VCF-style: chr4-99556158-C-T. GRCh37 (hg19) VCF-style: chr4-100477315-C-T.
Other names: c.483G>A, p.Trp161Ter (NM_001134666.3, NM_001375880.1, NM_001375881.1 and 2 more transcripts); short protein forms W161*.
Identifiers: ClinVar variation 2024480 (VCV002024480.4), dbSNP rs1724152035, ClinGen allele CA357510008.

ClinVar aggregate classification (germline): Pathogenic (1 of 4 stars; one submission).

Submission:

Labcorp Genetics (formerly Invitae), Labcorp
Classification: Pathogenic. Last evaluated: 2022-08-17. Review status: criteria provided, single submitter. Criteria: Invitae Variant Classification Sherloc (09022015). Collection method: clinical testing. Allele origin: germline.
Comment: For these reasons, this variant has been classified as Pathogenic. This variant has not been reported in the literature in individuals affected with TRMT10A-related conditions. This variant is not present in population databases (gnomAD no frequency). This sequence change creates a premature translational stop signal (p.Trp161*) in the TRMT10A gene. It is expected to result in an absent or disrupted protein product. Loss-of-function variants in TRMT10A are known to be pathogenic (PMID: 24204302, 26535115).

Literature cited by the submitters: PubMed 24204302; PubMed 26535115.